The following is an entry in ClinVar:

ClinVar aggregate classification (germline): Uncertain significance (1 of 4 stars; one submission).

Conditions:
Ectodermal dysplasia and immunodeficiency 2. Identifiers: Orphanet 238468, Orphanet 98813, MedGen C2677481, MONDO:0012806, OMIM 612132.

Submission:

Labcorp Genetics (formerly Invitae), Labcorp
Classification: Uncertain significance for Ectodermal dysplasia and immunodeficiency 2. Last evaluated: 2022-07-05. Review status: criteria provided, single submitter. Criteria: Invitae Variant Classification Sherloc (09022015). Collection method: clinical testing. Allele origin: germline.
Comment: In summary, the available evidence is currently insufficient to determine the role of this variant in disease. Therefore, it has been classified as a Variant of Uncertain Significance. Algorithms developed to predict the effect of missense changes on protein structure and function are either unavailable or do not agree on the potential impact of this missense change (SIFT: "Tolerated"; PolyPhen-2: "Probably Damaging"; Align-GVGD: "Class C0"). This variant has not been reported in the literature in individuals affected with NFKBIA-related conditions. The frequency data for this variant in the population databases is considered unreliable, as metrics indicate poor data quality at this position in the gnomAD database. This sequence change replaces glycine, which is neutral and non-polar, with aspartic acid, which is acidic and polar, at codon 194 of the NFKBIA protein (p.Gly194Asp).

NM_020529.3(NFKBIA):c.581G>A (p.Gly194Asp)

Gene: NFKBIA (NFKB inhibitor alpha; minus strand). Cytogenetic location: 14q13.2.
Variant type: single nucleotide variant.
Coding change: c.581G>A on transcript NM_020529.3 (MANE Select); coding-DNA position 581, G replaced by A.
Protein change: p.Gly194Asp; replaces glycine 194 with aspartic acid.
Molecular consequence: missense variant.
Genome position (GRCh38, 1-based): chr14:35,402,826, C>T on the plus strand (G>A on the coding strand, the complement: NFKBIA is on the minus strand). VCF-style: chr14-35402826-C-T. GRCh37 (hg19) VCF-style: chr14-35872032-C-T.
Other names: short protein forms G194D.
Identifiers: ClinVar variation 2185126 (VCV002185126.4), dbSNP rs148656104, ClinGen allele CA389452557.